The following is an entry in ClinVar:

ClinVar aggregate classification (germline): Uncertain significance. Review status: criteria provided, multiple submitters, no conflicts (2 of 4 stars). 7 submissions from 7 submitters: Uncertain significance (7). Last evaluated 2026-08-10.

Conditions:
Long QT syndrome (LQTS). Identifiers: MedGen C0023976, MeSH D008133, MONDO:0002442. Disease mechanism: loss of function. Inheritance: Various modes of inheritance.
Cardiovascular phenotype. Identifiers: MedGen CN230736.
Cardiac arrhythmia. Also called: Arrhythmia; Cardiac rhythm disease. Identifiers: MedGen C0003811, MONDO:0007263, HP:0011675.
Short QT syndrome type 1. Identifiers: Orphanet 51083, MedGen C1865020, MONDO:0012312, OMIM 609620.
Long QT syndrome 2 (LQT2). Identifiers: Orphanet 101016, Orphanet 768, MedGen C3150943, MONDO:0013367, OMIM 613688.

Allele frequency attached by ClinVar (database versions not stated): TOPMed 0.00004; 1000 Genomes Project 0.00040; 1000 Genomes Project 30x 0.00047.
gnomAD v4.1: 51 of 1,539,584 alleles (0.0033%); highest among the groups gnomAD compares: African/African-American, 0.025%; no homozygotes.

Submissions (7):

GeneDx
Classification: Uncertain significance. Last evaluated: 2026-08-10. Review status: criteria provided, single submitter. Criteria: GeneDx Variant Classification Process June 2021. Collection method: clinical testing. Allele origin: germline.
Comment: Has not been previously published as pathogenic or benign to our knowledge; In silico analysis supports that this missense variant has a deleterious effect on protein structure/function

Women's Health and Genetics/Laboratory Corporation of America, LabCorp
Classification: Uncertain significance. Last evaluated: 2026-04-10. Review status: criteria provided, single submitter. Criteria: LabCorp Variant Classification Summary - May 2015. Collection method: clinical testing. Allele origin: germline.
Comment: Variant summary: KCNH2 c.2647C>T (p.Arg883Trp) results in a non-conservative amino acid change in the encoded protein sequence. Algorithms developed to predict the effect of missense changes on protein structure and function are either unavailable or do not agree on the potential impact of this missense change. The variant allele was found at a frequency of 2.4e-05 in 249954 control chromosomes. The available data on variant occurrences in the general population are insufficient to allow any conclusion about variant significance. To our knowledge, no occurrence of c.2647C>T in individuals affected with KCNH2-related conditions and no experimental evidence demonstrating its impact on protein function have been reported. ClinVar contains an entry for this variant (Variation ID: 925591). Based on the evidence outlined above, the variant was classified as uncertain significance.

Labcorp Genetics (formerly Invitae), Labcorp
Classification: Uncertain significance for Long QT syndrome. Last evaluated: 2026-01-27. Review status: criteria provided, single submitter. Criteria: Invitae Variant Classification Sherloc (09022015). Collection method: clinical testing. Allele origin: germline.
Comment: This sequence change replaces arginine, which is basic and polar, with tryptophan, which is neutral and slightly polar, at codon 883 of the KCNH2 protein (p.Arg883Trp). This variant is present in population databases (rs201765446, gnomAD 0.02%). This variant has not been reported in the literature in individuals affected with KCNH2-related conditions. ClinVar contains an entry for this variant (Variation ID: 925591). An algorithm developed to predict the effect of missense changes on protein structure and function (PolyPhen-2) suggests that this variant is likely to be disruptive. In summary, the available evidence is currently insufficient to determine the role of this variant in disease. Therefore, it has been classified as a Variant of Uncertain Significance.

Ambry Genetics
Classification: Uncertain significance for Cardiovascular phenotype. Last evaluated: 2025-10-24. Review status: criteria provided, single submitter. Criteria: Ambry Variant Classification Scheme 2023. Collection method: clinical testing. Allele origin: germline.
Comment: The p.R883W variant (also known as c.2647C>T), located in coding exon 11 of the KCNH2 gene, results from a C to T substitution at nucleotide position 2647. The arginine at codon 883 is replaced by tryptophan, an amino acid with dissimilar properties. This amino acid position is not well conserved in available vertebrate species. In addition, this alteration is predicted to be deleterious by in silico analysis. Since supporting evidence is limited at this time, the clinical significance of this alteration remains unclear.

Color Diagnostics, LLC DBA Color Health
Classification: Uncertain significance for Cardiac arrhythmia. Last evaluated: 2025-06-12. Review status: criteria provided, single submitter. Criteria: ACMG Guidelines, 2015. Collection method: clinical testing. Allele origin: germline.
Comment: This missense variant replaces arginine with tryptophan at codon 883 of the KCNH2 protein. Computational prediction is inconclusive regarding the impact of this variant on protein structure and function. To our knowledge, functional studies have not been reported for this variant. This variant has not been reported in individuals affected with KCNH2-related disorders in the literature. This variant has been identified in 8/281260 chromosomes in the general population by the Genome Aggregation Database (gnomAD). The available evidence is insufficient to determine the role of this variant in disease conclusively. Therefore, this variant is classified as a Variant of Uncertain Significance.

All of Us Research Program, National Institutes of Health
Classification: Uncertain significance for Long QT syndrome. Last evaluated: 2024-06-11. Review status: criteria provided, single submitter. Criteria: ACMG Guidelines, 2015. Collection method: clinical testing. Allele origin: germline. Inheritance: Autosomal dominant inheritance. Observed: 9 variant alleles, 9 heterozygotes.
Comment: This missense variant replaces arginine with tryptophan at codon 883 of the KCNH2 protein. Computational prediction tools and conservation analyses are inconclusive regarding the impact of this variant on the protein function. Computational splicing tools suggest that this variant may not impact RNA splicing. To our knowledge, functional assays have not been performed for this variant nor has this variant been reported in individuals affected with cardiovascular disorders in the literature. This variant has been identified in 8/281260 chromosomes in the general population by the Genome Aggregation Database (gnomAD). Available evidence is insufficient to determine the role of this variant in disease conclusively. Therefore, this variant is classified as a Variant of Uncertain Significance.

This study involves interpretation of variants in research participants for the purpose of population health screening. Participant phenotype was not available at the time of variant classification. Additional details can be found in publication PMID: 35346344, PMCID: PMC8962531

Fulgent Genetics
Classification: Uncertain significance for Short QT syndrome type 1; Long QT syndrome 2. Last evaluated: 2021-09-07. Review status: criteria provided, single submitter. Criteria: ACMG Guidelines, 2015. Collection method: clinical testing. Allele origin: unknown.

NM_000238.4(KCNH2):c.2647C>T (p.Arg883Trp)

Gene: KCNH2 (potassium voltage-gated channel subfamily H member 2; minus strand). Cytogenetic location: 7q36.1.
Variant type: single nucleotide variant.
Coding change: c.2647C>T on transcript NM_000238.4 (MANE Select); coding-DNA position 2647, C replaced by T.
Protein change: p.Arg883Trp; replaces arginine 883 with tryptophan.
Molecular consequence: missense variant.
Genome position (GRCh38, 1-based): chr7:150,948,489, G>A on the plus strand (C>T on the coding strand, the complement: KCNH2 is on the minus strand). VCF-style: chr7-150948489-G-A. GRCh37 (hg19) VCF-style: chr7-150645577-G-A.
Other names: c.1627C>T, p.Arg543Trp (NM_172057.3); short protein forms R883W, R543W.
Identifiers: ClinVar variation 925591 (VCV000925591.27), dbSNP rs201765446, ClinGen allele CA033587.